The following is an entry in ClinVar:

ClinVar aggregate classification (germline): Uncertain significance. Review status: criteria provided, multiple submitters, no conflicts (2 of 4 stars). 5 submissions from 5 submitters: Uncertain significance (5). Last evaluated 2026-01-14.

Conditions:
Inborn genetic diseases. Identifiers: MedGen C0950123, MeSH D030342.
Cohen syndrome (COH1). Also called: Cutis verticis gyrata, retinitis pigmentosa, and sensorineural deafness; PEPPER SYNDROME. Identifiers: Orphanet 193, MedGen C0265223, MONDO:0008999, OMIM 216550.
VPS13B-related disorder. Also called: VPS13B-related condition.

Allele frequency attached by ClinVar (database versions not stated): gnomAD 0.00003 and 0.00004; TOPMed 0.00003.
gnomAD v4.1: 31 of 1,613,646 alleles (0.0019%); highest among the groups gnomAD compares: Non-Finnish European, 0.0025%; 1 homozygote.

Submissions (5):

PreventionGenetics, part of Exact Sciences
Classification: Uncertain significance for VPS13B-related condition. Last evaluated: 2026-01-14. Review status: criteria provided, single submitter. Criteria: ACMG Guidelines, 2015. Collection method: clinical testing. Allele origin: germline.
Comment: The VPS13B c.6890A>C variant is predicted to result in the amino acid substitution p.Tyr2297Ser. To our knowledge, this variant has not been reported in the literature. This variant is reported in 0.0016% of alleles in individuals of European (Non-Finnish) descent in gnomAD. At this time, the clinical significance of this variant is uncertain due to the absence of conclusive functional and genetic evidence.

Ambry Genetics
Classification: Uncertain significance for Inborn genetic diseases. Last evaluated: 2025-05-01. Review status: criteria provided, single submitter. Criteria: Ambry Variant Classification Scheme 2023. Collection method: clinical testing. Allele origin: germline.

Labcorp Genetics (formerly Invitae), Labcorp
Classification: Uncertain significance for Cohen syndrome. Last evaluated: 2023-10-05. Review status: criteria provided, single submitter. Criteria: Invitae Variant Classification Sherloc (09022015). Collection method: clinical testing. Allele origin: germline.
Comment: This sequence change replaces tyrosine, which is neutral and polar, with serine, which is neutral and polar, at codon 2322 of the VPS13B protein (p.Tyr2322Ser). This variant is present in population databases (rs750125340, gnomAD 0.002%). This variant has not been reported in the literature in individuals affected with VPS13B-related conditions. ClinVar contains an entry for this variant (Variation ID: 908549). Advanced modeling of protein sequence and biophysical properties (such as structural, functional, and spatial information, amino acid conservation, physicochemical variation, residue mobility, and thermodynamic stability) performed at Invitae indicates that this missense variant is expected to disrupt VPS13B protein function. In summary, the available evidence is currently insufficient to determine the role of this variant in disease. Therefore, it has been classified as a Variant of Uncertain Significance.

Blueprint Genetics
Classification: Uncertain significance. Last evaluated: 2022-12-21. Review status: criteria provided, single submitter. Criteria: ACMG Guidelines, 2015. Collection method: clinical testing. Allele origin: germline.

Illumina Laboratory Services, Illumina
Classification: Uncertain significance for Cohen syndrome. Last evaluated: 2018-01-13. Review status: criteria provided, single submitter. Criteria: ICSL Variant Classification Criteria 13 December 2019. Collection method: clinical testing. Allele origin: germline.

NM_152564.5(VPS13B):c.6890A>C (p.Tyr2297Ser)

Gene: VPS13B (vacuolar protein sorting 13 homolog B; plus strand). Cytogenetic location: 8q22.2.
Variant type: single nucleotide variant.
Coding change: c.6890A>C on transcript NM_152564.5 (MANE Select); coding-DNA position 6890, A replaced by C.
Protein change: p.Tyr2297Ser; replaces tyrosine 2297 with serine.
Molecular consequence: missense variant.
Genome position (GRCh38, 1-based): chr8:99,720,887, A>C. VCF-style: chr8-99720887-A-C. GRCh37 (hg19) VCF-style: chr8-100733115-A-C.
Other names: c.6965A>C, p.Tyr2322Ser (NM_017890.5); c.6890A>C (NM_152564.4); c.6965A>C (NM_017890.3); short protein forms Y2322S, Y2297S.
Identifiers: ClinVar variation 908549 (VCV000908549.12), dbSNP rs750125340, ClinGen allele CA4824111.